The following is an entry in ClinVar:

ClinVar aggregate classification (germline): Uncertain significance (1 of 4 stars; one submission).

Submission:

Ambry Genetics
Classification: Uncertain significance. Last evaluated: 2022-05-26. Review status: criteria provided, single submitter. Criteria: Ambry Variant Classification Scheme 2023. Collection method: clinical testing. Allele origin: germline.
Comment: The p.K939E variant (also known as c.2815A>G), located in coding exon 16 of the POLQ gene, results from an A to G substitution at nucleotide position 2815. The lysine at codon 939 is replaced by glutamic acid, an amino acid with similar properties. This amino acid position is conserved. In addition, this alteration is predicted to be tolerated by in silico analysis. Since supporting evidence is limited at this time, the clinical significance of this alteration remains unclear.

NM_199420.4(POLQ):c.2815A>G (p.Lys939Glu)

Gene: POLQ (DNA polymerase theta; minus strand). Cytogenetic location: 3q13.33.
Variant type: single nucleotide variant.
Coding change: c.2815A>G on transcript NM_199420.4 (MANE Select); coding-DNA position 2815, A replaced by G.
Protein change: p.Lys939Glu; replaces lysine 939 with glutamic acid.
Molecular consequence: missense variant.
Genome position (GRCh38, 1-based): chr3:121,490,116, T>C on the plus strand (A>G on the coding strand, the complement: POLQ is on the minus strand). VCF-style: chr3-121490116-T-C. GRCh37 (hg19) VCF-style: chr3-121208963-T-C.
Other names: short protein forms K939E.
Identifiers: ClinVar variation 1796370 (VCV001796370.2), dbSNP rs2546788147, ClinGen allele CA354104468.